The following is an entry in ClinVar:

ClinVar aggregate classification (germline): Likely benign. Review status: criteria provided, multiple submitters, no conflicts (2 of 4 stars). 2 submissions from 2 submitters: Likely benign (2). Last evaluated 2025-06-16.

Conditions:
Arrhythmogenic right ventricular dysplasia 9 (ARVD9). Also called: ARRHYTHMOGENIC RIGHT VENTRICULAR DYSPLASIA, FAMILIAL, 9; Arrhythmogenic Right Ventricular Dysplasia/Cardiomyopathy 9. Identifiers: MedGen C1836906, MONDO:0012180, OMIM 609040.
Arrhythmogenic right ventricular cardiomyopathy (ARVD). Also called: Arrhythmogenic right ventricular dysplasia; Cardiomyopathy, ARVC; Arrhythmogenic cardiomyopathy; Arrhythmogenic Right Ventricular Cardiomyopathy (ARVC). Identifiers: Orphanet 247, MedGen C0349788, MeSH D019571, MONDO:0016587. Disease mechanism: loss of function. Inheritance: Various modes of inheritance.

Submissions (2):

Labcorp Genetics (formerly Invitae), Labcorp
Classification: Likely benign for Arrhythmogenic right ventricular dysplasia 9. Last evaluated: 2025-06-16. Review status: criteria provided, single submitter. Criteria: Invitae Variant Classification Sherloc (09022015). Collection method: clinical testing. Allele origin: germline.

All of Us Research Program, National Institutes of Health
Classification: Likely benign for Arrhythmogenic right ventricular cardiomyopathy. Last evaluated: 2024-03-14. Review status: criteria provided, single submitter. Criteria: ACMG Guidelines, 2015. Collection method: clinical testing. Allele origin: germline. Inheritance: Autosomal dominant inheritance. Observed: 1 variant allele, 1 heterozygote.
Comment: This study involves interpretation of variants in research participants for the purpose of population health screening. Participant phenotype was not available at the time of variant classification. Additional details can be found in publication PMID: 35346344, PMCID: PMC8962531

NM_001005242.3(PKP2):c.1379-11_1379-10del

Gene: PKP2 (plakophilin 2; minus strand). Cytogenetic location: 12p11.21.
Variant type: Microsatellite.
Coding change: c.1379-11_1379-10del on transcript NM_001005242.3 (MANE Select); 11 bases into the intron before coding-DNA position 1379 through 10 bases into the intron before coding-DNA position 1379, 2 bases deleted (TG; older notation c.1379-11_1379-10delTG).
Molecular consequence: intron variant.
Genome position (GRCh38, 1-based): chr12:32,841,215-32,841,216, CA deleted on the plus strand (TG on the coding strand, the reverse complement: PKP2 is on the minus strand); deleting any 2 consecutive bases within chr12:32,841,215-32,841,218 gives the same sequence; the c. name uses the placement nearest the transcript's 3' end. VCF-style (leftmost placement, unchanged base first): chr12-32841214-GCA-G. GRCh37 (hg19) VCF-style: chr12-32994148-GCA-G.
Other names: c.1379-11_1379-10del (NM_001407156.1, NM_001407155.1, NM_001407161.1); c.1511-11_1511-10del (NM_004572.4, NM_001407157.1); c.1052-11_1052-10del (NM_001407160.1, NM_001407159.1, NM_001407158.1 and 1 more transcripts).
Identifiers: ClinVar variation 3387478 (VCV003387478.2).